The following is an entry in ClinVar:

NM_001323032.3(SV2B):c.1537C>T (p.Arg513Trp)

Gene: SV2B (synaptic vesicle glycoprotein 2B; plus strand). Cytogenetic location: 15q26.1.
Variant type: single nucleotide variant.
Coding change: c.1537C>T on transcript NM_001323032.3 (MANE Select); coding-DNA position 1537, C replaced by T.
Protein change: p.Arg513Trp; replaces arginine 513 with tryptophan.
Molecular consequence: missense variant. On other transcripts: intron variant (1).
Genome position (GRCh38, 1-based): chr15:91,284,050, C>T. VCF-style: chr15-91284050-C-T. GRCh37 (hg19) VCF-style: chr15-91827280-C-T.
Other names: c.1084C>T, p.Arg362Trp (NM_001167580.3, NM_001323040.3); c.1537C>T, p.Arg513Trp (NM_001323031.2, NM_001323037.3, NM_001323038.3 and 2 more transcripts); c.1204C>T, p.Arg402Trp (NM_001323033.3); c.1108C>T, p.Arg370Trp (NM_001323036.3); c.1507+2189C>T (NM_001323034.3); short protein forms R362W, R513W, R402W, R370W.
Identifiers: ClinVar variation 161546 (VCV000161546.2), dbSNP rs193920952, ClinGen allele CA174311.
Genomic context (GRCh38, chr15:91,284,050, plus strand): 5'-ACATGAACCGAAGGTTTCCTTCTCTCCCCAGACCTCTACGAGCACAAGTTCATCAACTGT[C>T]GGTTTATCAACTCCACCTTCCTGGAGCAGAAGGAGGGCTGCCACATGGACTTGGAGCAAG-3'
Protein context (NP_001309961.1, residues 503-523): DLYEHKFINC[Arg513Trp]FINSTFLEQK

ClinVar aggregate classification (germline): Uncertain significance (0 of 4 stars; one submission).

Conditions:
Prostate cancer. Also called: Malignant tumor of prostate. Identifiers: Orphanet 1331, MedGen C0376358, MONDO:0008315, HP:0012125.

Allele frequency attached by ClinVar (database versions not stated): gnomAD 0.00002 and 0.00003; gnomAD exomes 0.00002; TOPMed 0.00004; ExAC 0.00002.
gnomAD v4.1: 30 of 1,614,078 alleles (0.0019%); highest among the groups gnomAD compares: Middle Eastern, 0.016%; no homozygotes.

Submission:

Science for Life laboratory,  Karolinska Institutet
Classification: Uncertain significance for Malignant tumor of prostate. Review status: no assertion criteria provided. Collection method: not provided. Allele origin: somatic.
Comment: TumorID:SWE-2
ClinVar note: Converted during submission from Unknown to Uncertain significance.